The following is an entry in ClinVar:

NM_001037132.4(NRCAM):c.2903_2904del (p.Leu968fs)

Gene: NRCAM (neuronal cell adhesion molecule; minus strand). Cytogenetic location: 7q31.1.
Variant type: Microsatellite.
Coding change: c.2903_2904del on transcript NM_001037132.4 (MANE Select); coding-DNA positions 2903 to 2904, 2 bases deleted (TC; older notation c.2903_2904delTC).
Protein change: p.Leu968fs; shifts the reading frame from leucine 968.
Molecular consequence: frameshift variant. On other transcripts: non-coding transcript variant (5), intron variant (1).
Genome position (GRCh38, 1-based): chr7:108,178,060-108,178,061, GA deleted on the plus strand (TC on the coding strand, the reverse complement: NRCAM is on the minus strand); deleting any 2 consecutive bases within chr7:108,178,060-108,178,066 gives the same sequence; the c. name uses the placement nearest the transcript's 3' end. VCF-style (leftmost placement, unchanged base first): chr7-108178059-TGA-T. GRCh37 (hg19) VCF-style: chr7-107818504-TGA-T.
Other names: c.2903_2904del, p.Leu968fs (NM_001193582.2, NM_001371123.1, NM_001371128.1 and 10 more transcripts); c.2846_2847del, p.Leu949fs (NM_001193583.2, NM_001193584.2, NM_001371119.1 and 22 more transcripts); c.2558_2559del, p.Leu853fs (NM_001371125.1, NM_001371142.1, NM_001371143.1 and 2 more transcripts); c.2900_2901del, p.Leu967fs (NM_001371127.1); c.2855_2856del, p.Leu952fs (NM_001371130.1, NM_001371133.1, NM_001371136.1 and 7 more transcripts); c.2852_2853del, p.Leu951fs (NM_001371134.1); c.1946_1947del, p.Leu649fs (NM_001371137.1); c.2585_2586del, p.Leu862fs (NM_001371148.1, NM_001371170.1, NM_001371179.1 and 1 more transcripts); and 5 more; short protein forms L649fs, L853fs, L862fs, L933fs, L949fs, L951fs, L952fs, L958fs.
Identifiers: ClinVar variation 3911950 (VCV003911950.2).
Genomic context (GRCh38, chr7:108,178,059, plus strand): 5'-ACTTTAAGGTGTACTCTGTCAAAATGCCATTCGGGTGGCTCGGTGGATCCCATTCCAAAG[TGA>T]GAGAGTCCAGTGTTGGATTCACAATCTTCAAAGACGAGGGAGCACTGGGGACTTACAGTG-3'

ClinVar aggregate classification (germline): Pathogenic (1 of 4 stars; one submission).

Conditions:
Neurodevelopmental disorder with neuromuscular and skeletal abnormalities (NEDNMS). Identifiers: MedGen C5676965, MONDO:0859236, OMIM 619833.

Submission:

Women's Health and Genetics/Laboratory Corporation of America, LabCorp
Classification: Pathogenic for Neurodevelopmental disorder with neuromuscular and skeletal abnormalities. Last evaluated: 2025-07-03. Review status: criteria provided, single submitter. Criteria: LabCorp Variant Classification Summary - May 2015. Collection method: clinical testing. Allele origin: germline.
Comment: Variant summary: NRCAM c.2903_2904delTC (p.Leu968HisfsX25) results in a premature termination codon, predicted to cause a truncation of the encoded protein or absence of the protein due to nonsense mediated decay, which are commonly known mechanisms for disease. The variant was absent in 251342 control chromosomes. To our knowledge, no occurrence of c.2903_2904delTC in individuals affected with Neurodevelopmental Disorder With Neuromuscular And Skeletal Abnormalities and no experimental evidence demonstrating its impact on protein function have been reported. No submitters have cited clinical-significance assessments for this variant to ClinVar. Based on the evidence outlined above, the variant was classified as pathogenic.